The following is an entry in ClinVar:

ClinVar aggregate classification (germline): Uncertain significance (1 of 4 stars; one submission).

Conditions:
Chondrodysplasia with joint dislocations, gPAPP type. Also called: GPAPP DEFICIENCY. Identifiers: Orphanet 280586, MedGen C3279757, MONDO:0013561, OMIM 614078.

Submission:

3billion
Classification: Uncertain significance for Chondrodysplasia with joint dislocations, gPAPP type. Last evaluated: 2022-09-01. Review status: criteria provided, single submitter. Criteria: ACMG Guidelines, 2015. Collection method: clinical testing. Allele origin: germline. Affected: yes. Observed: 1 homozygote.
Comment: The variant is not observed in the gnomAD v2.1.1 dataset. Inframe insertion located in a nonrepeat region is predicted to change the length of the protein and disrupt normal protein function. Therefore, this variant is classified as uncertain significance according to the recommendation of ACMG/AMP guideline.

NM_017813.5(BPNT2):c.230_250dup (p.Arg83_Val84insGlyGlyAspGluValArgArg)

Gene: BPNT2 (3'(2'), 5'-bisphosphate nucleotidase 2; minus strand). Cytogenetic location: 8q12.1.
Variant type: Duplication.
Coding change: c.230_250dup on transcript NM_017813.5 (MANE Select); coding-DNA positions 230 to 250, 21 bases duplicated (GCGGCGACGAGGTGAGGCGCG).
Protein change: p.Arg83_Val84insGlyGlyAspGluValArgArg.
Molecular consequence: inframe insertion.
Genome position (GRCh38, 1-based): chr8:56,993,336-56,993,356, CGCGCCTCACCTCGTCGCCGC duplicated on the plus strand (GCGGCGACGAGGTGAGGCGCG on the coding strand, the reverse complement: BPNT2 is on the minus strand); duplicating any 21 consecutive bases within chr8:56,993,336-56,993,360 gives the same sequence; the c. name uses the placement nearest the transcript's 3' end. VCF-style (leftmost placement, unchanged base first): chr8-56993335-A-ACGCGCCTCACCTCGTCGCCGC. GRCh37 (hg19) VCF-style: chr8-57905894-A-ACGCGCCTCACCTCGTCGCCGC.
Identifiers: ClinVar variation 1705420 (VCV001705420.1), dbSNP rs2487133082, ClinGen allele CA2580078489.